The following is an entry in ClinVar:

NM_001370259.2(MEN1):c.1355G>A (p.Arg452Gln)

Gene: MEN1 (menin 1; minus strand). Cytogenetic location: 11q13.1.
Variant type: single nucleotide variant.
Coding change: c.1355G>A on transcript NM_001370259.2 (MANE Select); coding-DNA position 1355, G replaced by A.
Protein change: p.Arg452Gln; replaces arginine 452 with glutamine.
Molecular consequence: missense variant.
Genome position (GRCh38, 1-based): chr11:64,804,812, C>T on the plus strand (G>A on the coding strand, the complement: MEN1 is on the minus strand). VCF-style: chr11-64804812-C-T. GRCh37 (hg19) VCF-style: chr11-64572284-C-T.
Other names: c.1370G>A, p.Arg457Gln (NM_000244.4, NM_130800.3, NM_130801.3 and 3 more transcripts); c.1481G>A, p.Arg494Gln (NM_001370251.2); c.1355G>A, p.Arg452Gln (NM_001370260.2, NM_001370261.2, NM_130799.3); c.1250G>A, p.Arg417Gln (NM_001370262.2, NM_001370263.2); short protein forms R457Q, R452Q, R417Q, R494Q.
Identifiers: ClinVar variation 576399 (VCV000576399.12), dbSNP rs775922507, ClinGen allele CA060528.

ClinVar aggregate classification (germline): Conflicting classifications of pathogenicity. Review status: criteria provided, conflicting classifications (1 of 4 stars). 3 submissions from 3 submitters: Uncertain significance (2); Likely benign (1). Last evaluated 2025-12-04.

Conditions:
Hereditary cancer-predisposing syndrome. Also called: Hereditary neoplastic syndrome; Tumor predisposition; Hereditary Cancer Syndrome; Neoplastic Syndromes, Hereditary. Identifiers: Orphanet 140162, MedGen C0027672, MeSH D009386, MONDO:0015356.
Multiple endocrine neoplasia, type 1 (MEN1). Also called: MEN I; WERMER SYNDROME; Endocrine adenomatosis multiple; MEN 1; MEA I. Identifiers: Orphanet 652, MedGen C0025267, MeSH D018761, MONDO:0007540, OMIM 131100.

Allele frequency attached by ClinVar (database versions not stated): ExAC 0.00001; gnomAD exomes 0.00001.
gnomAD v4.1: 5 of 1,597,006 alleles (0.00031%); highest among the groups gnomAD compares: Admixed American, 0.0033%; no homozygotes.

Submissions (3):

Labcorp Genetics (formerly Invitae), Labcorp
Classification: Uncertain significance for Multiple endocrine neoplasia, type 1. Last evaluated: 2025-12-04. Review status: criteria provided, single submitter. Criteria: Invitae Variant Classification Sherloc (09022015). Collection method: clinical testing. Allele origin: germline.
Comment: This sequence change replaces arginine, which is basic and polar, with glutamine, which is neutral and polar, at codon 452 of the MEN1 protein (p.Arg452Gln). This variant is present in population databases (rs775922507, gnomAD 0.006%). This variant has not been reported in the literature in individuals affected with MEN1-related conditions. ClinVar contains an entry for this variant (Variation ID: 576399). Invitae Evidence Modeling of protein sequence and biophysical properties (such as structural, functional, and spatial information, amino acid conservation, physicochemical variation, residue mobility, and thermodynamic stability) indicates that this missense variant is expected to disrupt MEN1 protein function with a positive predictive value of 95%. In summary, the available evidence is currently insufficient to determine the role of this variant in disease. Therefore, it has been classified as a Variant of Uncertain Significance.

All of Us Research Program, National Institutes of Health
Classification: Uncertain significance for Multiple endocrine neoplasia, type 1. Last evaluated: 2023-05-16. Review status: criteria provided, single submitter. Criteria: ACMG Guidelines, 2015. Collection method: clinical testing. Allele origin: germline. Inheritance: Autosomal dominant inheritance. Observed: 1 variant allele, 1 heterozygote.
Comment: This missense variant replaces arginine with glutamine at codon 452 of the MEN1 protein. Computational prediction suggests that this variant may have deleterious impact on protein structure and function (internally defined REVEL score threshold >= 0.7, PMID: 27666373). To our knowledge, functional studies have not been reported for this variant. This variant has not been reported in individuals affected with MEN1-related disorders in the literature. This variant has been identified in 2/228868 chromosomes in the general population by the Genome Aggregation Database (gnomAD). The available evidence is insufficient to determine the role of this variant in disease conclusively. Therefore, this variant is classified as a Variant of Uncertain Significance.

This study involves interpretation of variants in research participants for the purpose of population health screening. Participant phenotype was not available at the time of variant classification. Additional details can be found in publication PMID: 35346344, PMCID: PMC8962531

Ambry Genetics
Classification: Likely benign for Hereditary cancer-predisposing syndrome. Last evaluated: 2022-05-14. Review status: criteria provided, single submitter. Criteria: Ambry Variant Classification Scheme 2023. Collection method: clinical testing. Allele origin: germline.